The following is an entry in ClinVar:

NM_005198.5(CHKB):c.1001T>C (p.Leu334Pro)

Genes: CHKB (choline kinase beta; minus strand), CHKB-CPT1B (CHKB-CPT1B readthrough (NMD candidate); minus strand). Cytogenetic location: 22q13.33.
Variant type: single nucleotide variant.
Coding change: c.1001T>C on transcript NM_005198.5 (MANE Select); coding-DNA position 1001, T replaced by C.
Protein change: p.Leu334Pro; replaces leucine 334 with proline.
Molecular consequence: missense variant. On other transcripts: non-coding transcript variant (1).
Genome position (GRCh38, 1-based): chr22:50,579,757, A>G on the plus strand (T>C on the coding strand, the complement: CHKB is on the minus strand). VCF-style: chr22-50579757-A-G. GRCh37 (hg19) VCF-style: chr22-51018186-A-G.
Other names: p.Leu334Pro; short protein forms L334P.
Identifiers: ClinVar variation 966051 (VCV000966051.11), dbSNP rs780983852, ClinGen allele CA10323546.

ClinVar aggregate classification (germline): Uncertain significance. Review status: criteria provided, multiple submitters, no conflicts (2 of 4 stars). 3 submissions from 3 submitters: Uncertain significance (3). Last evaluated 2025-12-11.

Conditions:
Inborn genetic diseases. Identifiers: MedGen C0950123, MeSH D030342.
Megaconial type congenital muscular dystrophy (MDCMC). Also called: MUSCULAR DYSTROPHY, CONGENITAL, WITH MITOCHONDRIAL STRUCTURAL ABNORMALITIES; CHKB-Related Muscle Diseases; CHKB-Related Muscular Dystrophy. Identifiers: Orphanet 280671, MedGen C1865233, MONDO:0011246, OMIM 602541.

Allele frequency attached by ClinVar (database versions not stated): gnomAD exomes below 0.00001 and 0.00001; TOPMed below 0.00001; ExAC 0.00002.

Submissions (3):

Mayo Clinic Laboratories, Mayo Clinic
Classification: Uncertain significance. Last evaluated: 2025-12-11. Review status: criteria provided, single submitter. Criteria: ACMG Guidelines, 2015. Collection method: clinical testing. Allele origin: germline. Observed: 1 variant allele.

Ambry Genetics
Classification: Uncertain significance for Inborn genetic diseases. Last evaluated: 2025-09-10. Review status: criteria provided, single submitter. Criteria: Ambry Variant Classification Scheme 2023. Collection method: clinical testing. Allele origin: germline.

Labcorp Genetics (formerly Invitae), Labcorp
Classification: Uncertain significance for Megaconial type congenital muscular dystrophy. Last evaluated: 2022-06-03. Review status: criteria provided, single submitter. Criteria: Invitae Variant Classification Sherloc (09022015). Collection method: clinical testing. Allele origin: germline.
Comment: In summary, the available evidence is currently insufficient to determine the role of this variant in disease. Therefore, it has been classified as a Variant of Uncertain Significance. Algorithms developed to predict the effect of missense changes on protein structure and function are either unavailable or do not agree on the potential impact of this missense change (SIFT: "Tolerated"; PolyPhen-2: "Possibly Damaging"; Align-GVGD: "Class C0"). ClinVar contains an entry for this variant (Variation ID: 966051). This variant has not been reported in the literature in individuals affected with CHKB-related conditions. This variant is present in population databases (rs780983852, gnomAD 0.0009%). This sequence change replaces leucine, which is neutral and non-polar, with proline, which is neutral and non-polar, at codon 334 of the CHKB protein (p.Leu334Pro).